The following is an entry in ClinVar:

NM_032383.5(HPS3):c.1163+1G>A

Gene: HPS3 (HPS3 biogenesis of lysosomal organelles complex 2 subunit 1; plus strand). Cytogenetic location: 3q24.
Variant type: single nucleotide variant.
Coding change: c.1163+1G>A on transcript NM_032383.5 (MANE Select); the canonical splice donor site of the intron after coding-DNA position 1163, G replaced by A.
Molecular consequence: splice donor variant.
Genome position (GRCh38, 1-based): chr3:149,145,547, G>A. VCF-style: chr3-149145547-G-A. GRCh37 (hg19) VCF-style: chr3-148863334-G-A.
Other names: 1303+1G>A; 1303, G-A, +1; c.668+1G>A (NM_001308258.2).
Identifiers: ClinVar variation 4609 (VCV000004609.31), dbSNP rs201227603, ClinGen allele CA340269.

ClinVar aggregate classification (germline): Pathogenic. Review status: criteria provided, multiple submitters, no conflicts (2 of 4 stars). 13 submissions from 13 submitters: Pathogenic (10). 3 of the submissions do not count toward it. Last evaluated 2025-10-16.

Conditions:
HPS3-related disorder. Also called: HPS3-related condition.
HPS3-related disorders.
Hermansky-Pudlak syndrome (HPS). Also called: ALBINISM WITH HEMORRHAGIC DIATHESIS AND PIGMENTED RETICULOENDOTHELIAL CELLS. Identifiers: Orphanet 79430, MedGen C0079504, MONDO:0019312.
Hermansky-Pudlak syndrome 3 (HPS3). Identifiers: Orphanet 231512, Orphanet 79430, MedGen C3888001, MONDO:0013555, OMIM 614072.

Allele frequency attached by ClinVar (database versions not stated): TOPMed 0.00003; gnomAD exomes 0.00004 and 0.00008; gnomAD 0.00005; ExAC 0.00009.
gnomAD v4.1: 77 of 1,612,910 alleles (0.0048%); highest among the groups gnomAD compares: Admixed American, 0.0033%; no homozygotes.

Submissions (13):

Natera, Inc.
Classification: Pathogenic for Hermansky-Pudlak syndrome. Last evaluated: 2025-10-16. Review status: criteria provided, single submitter. Criteria: Natera Variant Classification Schema (03/2026). Collection method: clinical testing. Allele origin: germline.
Comment: The c.1163+1G>A variant in HPS3 is a canonical splice donor site variant predicted to affect pre-mRNA splicing, which may result in an abnormal transcript and altered protein product. This variant is expected to result in nonsense mediated decay, truncation, or a dysfunctional protein product. The frequency of this variant in the general population is greater than expected for disorder. This variant has been observed in one or more individuals affected with the associated recessive disease, as either homozygous or compound heterozygous with a second variant (PMID: 11590544). Functional studies show that this variant may disrupt protein function (PMID: 11590544). Given the available evidence, this variant is classified as Pathogenic.

Labcorp Genetics (formerly Invitae), Labcorp
Classification: Pathogenic. Last evaluated: 2025-09-12. Review status: criteria provided, single submitter. Criteria: Invitae Variant Classification Sherloc (09022015). Collection method: clinical testing. Allele origin: germline.
Comment: This sequence change affects a donor splice site in intron 5 of the HPS3 gene. RNA analysis indicates that disruption of this splice site induces altered splicing and may result in an absent or altered protein product. This variant is present in population databases (rs201227603, gnomAD 0.2%), including at least one homozygous and/or hemizygous individual. Disruption of this splice site has been observed in individuals with Hermansky-Pudlak syndrome (HPS) (PMID: 11590544). It is commonly reported in individuals of Ashkenazi Jewish ancestry (PMID: 11590544). This variant is also known as 1303+1G>A. ClinVar contains an entry for this variant (Variation ID: 4609). Studies have shown that disruption of this splice site results in skipping of exon 5, and produces a non-functional protein and/or introduces a premature termination codon (PMID: 11590544). For these reasons, this variant has been classified as Pathogenic.

Women's Health and Genetics/Laboratory Corporation of America, LabCorp
Classification: Pathogenic for Hermansky-Pudlak syndrome. Last evaluated: 2025-05-19. Review status: criteria provided, single submitter. Criteria: LabCorp Variant Classification Summary - May 2015. Collection method: clinical testing. Allele origin: germline.
Comment: Variant summary: HPS3 c.1163+1G>A is located in a canonical splice-site and is predicted to affect mRNA splicing resulting in a significantly altered protein due to either exon skipping, shortening, or inclusion of intronic material. Variants that disrupt the consensus splice site are a relatively common cause of aberrant splicing and loss of HPS3 function. Several computational tools predict a significant impact on normal splicing: Four predict the variant abolishes a 5' splicing donor site. The variant allele was found at a frequency of 8e-05 in 251320 control chromosomes. This frequency is not significantly higher than estimated for a pathogenic variant in HPS3 causing Hermansky-Pudlak Syndrome (8e-05 vs 0.00055), allowing no conclusion about variant significance. c.1163+1G>A has been observed in multiple individuals affected with Hermansky-Pudlak Syndrome (Huizing_2001). These data indicate that the variant is very likely to be associated with disease. The following publication have been ascertained in the context of this evaluation (PMID: 11590544). ClinVar contains an entry for this variant (Variation ID: 4609). Based on the evidence outlined above, the variant was classified as pathogenic.

Revvity Omics, Revvity
Classification: Pathogenic for Hermansky-Pudlak syndrome 3. Last evaluated: 2025-01-16. Review status: criteria provided, single submitter. Criteria: ACMG Guidelines, 2015. Collection method: clinical testing. Allele origin: germline.

Baylor Genetics
Classification: Pathogenic for Hermansky-Pudlak syndrome 3. Last evaluated: 2024-03-25. Review status: criteria provided, single submitter. Criteria: ACMG Guidelines, 2015. Collection method: clinical testing. Allele origin: unknown.

Fulgent Genetics
Classification: Pathogenic for Hermansky-Pudlak syndrome 3. Last evaluated: 2024-03-13. Review status: criteria provided, single submitter. Criteria: ACMG Guidelines, 2015. Collection method: clinical testing. Allele origin: germline.

Blueprint Genetics
Classification: Pathogenic for HPS3-related disorders. Last evaluated: 2024-03-02. Review status: criteria provided, single submitter. Criteria: ACMG Guidelines, 2015. Collection method: clinical testing. Allele origin: germline. Affected: yes. Observed: 3 variant alleles.

Myriad Genetics, Inc.
Classification: Pathogenic for Hermansky-Pudlak syndrome 3. Last evaluated: 2021-11-03. Review status: criteria provided, single submitter. Criteria: Myriad Women's Health Autosomal Recessive and X-Linked Classification Criteria (2021). Collection method: clinical testing. Allele origin: unknown.
Comment: NM_032383.3(HPS3):c.1163+1G>A is a canonical splice variant classified as pathogenic in the context of Hermansky-Pudlak syndrome type 3. Please note that c.1163+1G>A may be associated with a mild form of the disease. c.1163+1G>A has been observed in cases with relevant disease (PMID: 11590544). Functional assessments of this variant are available in the literature (PMID: 11590544). c.1163+1G>A has been observed in population frequency databases (gnomAD: ASJ 0.16%). In summary, NM_032383.3(HPS3):c.1163+1G>A is a canonical splice variant in a gene where loss of function is a known mechanism of disease, has functional support for pathogenicity, and has been observed more frequently in cases with the relevant disease than in healthy populations. Please note: this variant was assessed in the context of healthy population screening.

Laboratory for Molecular Medicine, Mass General Brigham Personalized Medicine
Classification: Pathogenic for Hermansky-Pudlak syndrome. Last evaluated: 2018-11-08. Review status: criteria provided, single submitter. Criteria: LMM Criteria. Collection method: clinical testing. Allele origin: germline. Inheritance: Autosomal recessive inheritance. Observed: 1 variant allele.
Comment: The c.1163+1G>A variant, also known as c.1303+1G>A, in HPS3 has been reported in the homozygous state in 3 individuals with Hermansky Pudlak syndrome type 3 and in the compound heterozygous state with other splice site variants in 2 individ uals with Hermansky Pudlak syndrome type 3, all of whom had Ashkenazi Jewish anc estry (Huizing 2001). It has also been identified in 0.17% (17/10150) of Ashkena zi Jewish chromosomes by gnomAD. This variant occurs in the invariant region (+/- 1,2) of the splice consensus sequence. Stud ies have demonstrated that this variant cases skipping of exon 5, resulting in a premature translational stop at codon 350, which is predicted to produce a trun cated or absent protein (Huizing 2001). Loss of function of the HPS3 gene is an established disease mechanism in Hermansky Pudlak syndrome type 3, which is a mi lder form of Hermansky Pudlak syndrome. In summary, this variant meets criteria to be classified as pathogenic for autosomal recessive Hermansky Pudlak syndrome . ACMG/AMP Criteria applied: PVS1, PM3_Strong, PS3_Supporting.

Eurofins Ntd Llc (ga)
Classification: Pathogenic. Last evaluated: 2016-02-16. Review status: criteria provided, single submitter. Criteria: EGL Classification Definitions 2015. Collection method: clinical testing. Allele origin: germline. Observed: 3 variant alleles, 2 heterozygotes, 1 homozygote.

PreventionGenetics, part of Exact Sciences
Classification: Pathogenic for HPS3-related condition. Last evaluated: 2024-04-04. Review status: no assertion criteria provided. Collection method: clinical testing. Allele origin: germline. Not counted in ClinVar's aggregate classification.
Comment: The HPS3 c.1163+1G>A variant is predicted to disrupt the GT donor site and interfere with normal splicing. This variant, also referred to as c.1303+1G>A in the literature, results in skipping of exon 5 during mRNA splicing (Huizing et al. 2001. PubMed ID: 11590544) and has been reported in the homozygous or compound heterozygous state in individuals of Ashkenazi Jewish ancestry with Hermansky-Pudlak syndrome (Huizing et al. 2001. PubMed ID: 11590544; Marek-Yagel et al. 2022. PubMed ID: 36046236). This variant is reported in 0.15% of alleles in individuals of Ashkenazi Jewish descent in gnomAD. Variants that disrupt the consensus splice donor site in HPS3 are expected to be pathogenic. This variant is interpreted as pathogenic.

OMIM
Classification: Pathogenic for HERMANSKY-PUDLAK SYNDROME 3. Last evaluated: 2001-11-01. Review status: no assertion criteria provided. Collection method: literature only. Allele origin: germline. Not counted in ClinVar's aggregate classification.

GeneReviews
No classification provided. Condition: Hermansky-Pudlak syndrome 3. Review status: no classification provided. Collection method: literature only. Allele origin: germline. Not counted in ClinVar's aggregate classification.

Literature cited by the submitters: PubMed 11590544 (cited by 7 submitters); PubMed 25525159 (cited by Laboratory for Molecular Medicine, Mass General Brigham Personalized Medicine); NCBI Bookshelf NBK1287 (cited by GeneReviews).